The following is an entry in ClinVar:

ClinVar aggregate classification (germline): Uncertain significance (1 of 4 stars; one submission).

Conditions:
Amyotrophic lateral sclerosis type 6. Also called: FUS-Related Amyotrophic Laterial Sclerosis; AMYOTROPHIC LATERAL SCLEROSIS 6 WITHOUT FRONTOTEMPORAL DEMENTIA; Amyotrophic lateral sclerosis 6, with or without frontotemporal dementia. Identifiers: Orphanet 275872, Orphanet 803, MedGen C2931786, MONDO:0011951, OMIM 608030.
Tremor, hereditary essential, 4 (ETM4). Identifiers: MedGen C3539195, MONDO:0013888, OMIM 614782.

Submission:

Labcorp Genetics (formerly Invitae), Labcorp
Classification: Uncertain significance for Tremor, hereditary essential, 4; Amyotrophic lateral sclerosis type 6. Last evaluated: 2021-09-18. Review status: criteria provided, single submitter. Criteria: Invitae Variant Classification Sherloc (09022015). Collection method: clinical testing. Allele origin: germline.
Comment: In summary, the available evidence is currently insufficient to determine the role of this variant in disease. Therefore, it has been classified as a Variant of Uncertain Significance. Algorithms developed to predict the effect of missense changes on protein structure and function are either unavailable or do not agree on the potential impact of this missense change (SIFT: "Deleterious"; PolyPhen-2: "Benign"; Align-GVGD: "Class C0"). This variant has not been reported in the literature in individuals affected with FUS-related conditions. This variant is not present in population databases (ExAC no frequency). This sequence change replaces arginine with serine at codon 491 of the FUS protein (p.Arg491Ser). The arginine residue is highly conserved and there is a moderate physicochemical difference between arginine and serine.

NM_004960.4(FUS):c.1471C>A (p.Arg491Ser)

Gene: FUS (FUS RNA binding protein; plus strand). Cytogenetic location: 16p11.2.
Variant type: single nucleotide variant.
Coding change: c.1471C>A on transcript NM_004960.4 (MANE Select); coding-DNA position 1471, C replaced by A.
Protein change: p.Arg491Ser; replaces arginine 491 with serine.
Molecular consequence: missense variant. On other transcripts: non-coding transcript variant (1).
Genome position (GRCh38, 1-based): chr16:31,191,040, C>A. VCF-style: chr16-31191040-C-A. GRCh37 (hg19) VCF-style: chr16-31202361-C-A.
Other names: c.1468C>A, p.Arg490Ser (NM_001170634.1); c.1459C>A, p.Arg487Ser (NM_001170937.1); short protein forms R487S, R490S, R491S.
Identifiers: ClinVar variation 1470908 (VCV001470908.6), dbSNP rs753458243, ClinGen allele CA395675917.